The following is an entry in ClinVar:

ClinVar aggregate classification (germline): Uncertain significance (1 of 4 stars; one submission).

Conditions:
Cardiovascular phenotype. Identifiers: MedGen CN230736.

Submission:

Ambry Genetics
Classification: Uncertain significance for Cardiovascular phenotype. Last evaluated: 2026-07-17. Review status: criteria provided, single submitter. Criteria: Ambry Variant Classification Scheme 2023. Collection method: clinical testing. Allele origin: germline.
Comment: The p.L701F variant (also known as c.2101C>T), located in coding exon 19 of the ANK2 gene, results from a C to T substitution at nucleotide position 2101. The leucine at codon 701 is replaced by phenylalanine, an amino acid with highly similar properties. This amino acid position is conserved. In addition, the in silico prediction for this alteration is inconclusive. Based on the available evidence, the clinical significance of this variant remains unclear.

NM_001148.6(ANK2):c.2101C>T (p.Leu701Phe)

Gene: ANK2 (ankyrin 2; plus strand). Cytogenetic location: 4q26.
Variant type: single nucleotide variant.
Coding change: c.2101C>T on transcript NM_001148.6 (MANE Select); coding-DNA position 2101, C replaced by T.
Protein change: p.Leu701Phe; replaces leucine 701 with phenylalanine.
Molecular consequence: missense variant.
Genome position (GRCh38, 1-based): chr4:113,287,626, C>T. VCF-style: chr4-113287626-C-T. GRCh37 (hg19) VCF-style: chr4-114208782-C-T.
Other names: c.2038C>T, p.Leu680Phe (NM_001127493.3, NM_001354239.2, NM_001354243.2 and 10 more transcripts); c.2101C>T, p.Leu701Phe (NM_001354225.2, NM_001354228.2, NM_001354232.2 and 6 more transcripts); c.2146C>T, p.Leu716Phe (NM_001354230.2, NM_001354231.2, NM_001354237.2 and 5 more transcripts); c.2002C>T, p.Leu668Phe (NM_001354245.2, NM_001354268.2); c.2014C>T, p.Leu672Phe (NM_001354249.2, NM_001354266.2, NM_001354267.2 and 10 more transcripts); c.1939C>T, p.Leu647Phe (NM_001354253.2, NM_001354270.2, NM_001386156.1 and 1 more transcripts); c.1891C>T, p.Leu631Phe (NM_001354269.3); c.1915C>T, p.Leu639Phe (NM_001354271.2, NM_001386151.1, NM_001354260.2); and 8 more; short protein forms L672F, L687F, L697F, L701F, L710F, L716F, L718F, L606F.
Identifiers: ClinVar variation 5021978 (VCV005021978.1).